The following is an entry in ClinVar:

ClinVar aggregate classification (germline): Conflicting classifications of pathogenicity. Review status: criteria provided, conflicting classifications (1 of 4 stars). 2 submissions from 2 submitters: Uncertain significance (1); Likely benign (1). Last evaluated 2026-03-13.

Conditions:
Inborn genetic diseases. Identifiers: MedGen C0950123, MeSH D030342.
Autosomal dominant nocturnal frontal lobe epilepsy 5. Also called: CILIARY DYSKINESIA, PRIMARY, 28, WITH SITUS INVERSUS; KCNT1-Related Epilepsy; CILIARY DYSKINESIA, PRIMARY, 28, WITHOUT SITUS INVERSUS; Epilepsy, nocturnal frontal lobe, 5. Identifiers: Orphanet 98784, MedGen C3554306, MONDO:0014002, OMIM 615005.
Developmental and epileptic encephalopathy, 14 (DEE14). Also called: Early infantile epileptic encephalopathy 14. Identifiers: Orphanet 293181, MedGen C3554195, MONDO:0013989, OMIM 614959.

gnomAD v4.1: 48 of 1,611,542 alleles (0.003%); highest among the groups gnomAD compares: South Asian, 0.015%; no homozygotes.

Submissions (2):

Ambry Genetics
Classification: Likely benign for Inborn genetic diseases. Last evaluated: 2026-03-13. Review status: criteria provided, single submitter. Criteria: Ambry Variant Classification Scheme 2023. Collection method: clinical testing. Allele origin: germline.

Labcorp Genetics (formerly Invitae), Labcorp
Classification: Uncertain significance for Autosomal dominant nocturnal frontal lobe epilepsy 5; Developmental and epileptic encephalopathy, 14. Last evaluated: 2024-11-16. Review status: criteria provided, single submitter. Criteria: Invitae Variant Classification Sherloc (09022015). Collection method: clinical testing. Allele origin: germline.
Comment: This sequence change replaces valine, which is neutral and non-polar, with methionine, which is neutral and non-polar, at codon 662 of the KCNT1 protein (p.Val662Met). This variant is present in population databases (rs757867931, gnomAD 0.003%). This variant has not been reported in the literature in individuals affected with KCNT1-related conditions. ClinVar contains an entry for this variant (Variation ID: 1401119). Invitae Evidence Modeling of protein sequence and biophysical properties (such as structural, functional, and spatial information, amino acid conservation, physicochemical variation, residue mobility, and thermodynamic stability) indicates that this missense variant is not expected to disrupt KCNT1 protein function with a negative predictive value of 80%. In summary, the available evidence is currently insufficient to determine the role of this variant in disease. Therefore, it has been classified as a Variant of Uncertain Significance.

NM_020822.3(KCNT1):c.1984G>A (p.Val662Met)

Gene: KCNT1 (potassium sodium-activated channel subfamily T member 1; plus strand). Cytogenetic location: 9q34.3.
Variant type: single nucleotide variant.
Coding change: c.1984G>A on transcript NM_020822.3 (MANE Select); coding-DNA position 1984, G replaced by A.
Protein change: p.Val662Met; replaces valine 662 with methionine.
Molecular consequence: missense variant.
Genome position (GRCh38, 1-based): chr9:135,771,071, G>A. VCF-style: chr9-135771071-G-A. GRCh37 (hg19) VCF-style: chr9-138662917-G-A.
Other names: c.1849G>A, p.Val617Met (NM_001272003.2); c.1984G>A (NM_020822.2); short protein forms V662M, V617M.
Identifiers: ClinVar variation 1401119 (VCV001401119.7), dbSNP rs757867931, ClinGen allele CA5327131.